The following is an entry in ClinVar:

ClinVar aggregate classification (germline): Uncertain significance (1 of 4 stars; one submission).

Allele frequency attached by ClinVar (database versions not stated): gnomAD exomes 0.00001; ExAC 0.00002; TOPMed 0.00005.
gnomAD v4.1: 20 of 1,612,724 alleles (0.0012%); highest among the groups gnomAD compares: African/African-American, 0.0053%; no homozygotes.

Submission:

Labcorp Genetics (formerly Invitae), Labcorp
Classification: Uncertain significance. Last evaluated: 2024-10-19. Review status: criteria provided, single submitter. Criteria: Invitae Variant Classification Sherloc (09022015). Collection method: clinical testing. Allele origin: germline.
Comment: This sequence change replaces threonine, which is neutral and polar, with methionine, which is neutral and non-polar, at codon 3182 of the HMCN1 protein (p.Thr3182Met). This variant is present in population databases (rs765794058, gnomAD 0.007%). This variant has not been reported in the literature in individuals affected with HMCN1-related conditions. ClinVar contains an entry for this variant (Variation ID: 2181282). An algorithm developed to predict the effect of missense changes on protein structure and function outputs the following: PolyPhen-2: "Benign". The methionine amino acid residue is found in multiple mammalian species, which suggests that this missense change does not adversely affect protein function. In summary, the available evidence is currently insufficient to determine the role of this variant in disease. Therefore, it has been classified as a Variant of Uncertain Significance.

NM_031935.3(HMCN1):c.9545C>T (p.Thr3182Met)

Gene: HMCN1 (hemicentin 1; plus strand). Cytogenetic location: 1q31.1.
Variant type: single nucleotide variant.
Coding change: c.9545C>T on transcript NM_031935.3 (MANE Select); coding-DNA position 9545, C replaced by T.
Protein change: p.Thr3182Met; replaces threonine 3182 with methionine.
Molecular consequence: missense variant.
Genome position (GRCh38, 1-based): chr1:186,088,244, C>T. VCF-style: chr1-186088244-C-T. GRCh37 (hg19) VCF-style: chr1-186057376-C-T.
Other names: short protein forms T3182M.
Identifiers: ClinVar variation 2181282 (VCV002181282.4), dbSNP rs765794058, ClinGen allele CA1293457.